The following is an entry in ClinVar:

NM_001377265.1(MAPT):c.1802G>A (p.Arg601His)

Gene: MAPT (microtubule associated protein tau). Cytogenetic location: 17q21.31.
Variant type: single nucleotide variant.
Coding change: c.1802G>A on transcript NM_001377265.1 (MANE Select); coding-DNA position 1802, G replaced by A.
Protein change: p.Arg601His; replaces arginine 601 with histidine.
Molecular consequence: missense variant.
Genome position (GRCh38, 1-based): chr17:45,996,468, G>A. VCF-style: chr17-45996468-G-A. GRCh37 (hg19) VCF-style: chr17-44073834-G-A.
Other names: c.1631G>A (NM_001123066.3); c.1631G>A, p.Arg544His (NM_001123066.4); c.539G>A, p.Arg180His (NM_001123067.4, NM_001203251.2, NM_001377267.1); c.626G>A, p.Arg209His (NM_001203252.2, NM_005910.6); c.1604G>A, p.Arg535His (NM_001377266.1); c.452G>A, p.Arg151His (NM_001377268.1, NM_016834.5, NM_016841.5); c.1577G>A, p.Arg526His (NM_016835.5); short protein forms R526H, R209H, R151H, R180H, R544H, R535H, R601H.
Identifiers: ClinVar variation 529746 (VCV000529746.14), dbSNP rs115492908, ClinGen allele CA8618037.

ClinVar aggregate classification (germline): Conflicting classifications of pathogenicity. Review status: criteria provided, conflicting classifications (1 of 4 stars). 4 submissions from 4 submitters: Uncertain significance (1); Benign (1); Likely benign (1). 1 of the submissions does not count toward it. Last evaluated 2025-03-19.

Conditions:
Frontotemporal dementia (FTD1). Also called: Dementia, frontotemporal, with or without parkinsonism; Frontotemporal Dementia with Parkinsonism-17 (FTDP-17); FRONTOTEMPORAL DEMENTIA WITH PARKINSONISM; FRONTOTEMPORAL LOBE DEMENTIA; WILHELMSEN-LYNCH DISEASE; Frontotemporal lobe dementia (FLDEM). Identifiers: Orphanet 282, MedGen C0338451, MONDO:0017276, OMIM 600274, HP:0002145.
MAPT-Related Spectrum Disorders.
MAPT-related disorder. Also called: MAPT-related condition; MAPT-Related Disorders.

Allele frequency attached by ClinVar (database versions not stated): 1000 Genomes Project 0.00080; gnomAD 0.00006; gnomAD exomes 0.00007; ExAC 0.00011; TOPMed 0.00021; ESP Exome Variant Server 0.00039; 1000 Genomes Project 30x 0.00078.
gnomAD v4.1: 86 of 1,612,968 alleles (0.0053%); highest among the groups gnomAD compares: African/African-American, 0.061%; 1 homozygote.

Submissions (4):

Labcorp Genetics (formerly Invitae), Labcorp
Classification: Uncertain significance for Frontotemporal dementia. Last evaluated: 2025-03-19. Review status: criteria provided, single submitter. Criteria: Invitae Variant Classification Sherloc (09022015). Collection method: clinical testing. Allele origin: germline.
Comment: This sequence change replaces arginine, which is basic and polar, with histidine, which is basic and polar, at codon 209 of the MAPT protein (p.Arg209His). This variant is present in population databases (rs115492908, gnomAD 0.06%), including at least one homozygous and/or hemizygous individual. This variant has not been reported in the literature in individuals affected with MAPT-related conditions. ClinVar contains an entry for this variant (Variation ID: 529746). Invitae Evidence Modeling of protein sequence and biophysical properties (such as structural, functional, and spatial information, amino acid conservation, physicochemical variation, residue mobility, and thermodynamic stability) indicates that this missense variant is expected to disrupt MAPT protein function with a positive predictive value of 80%. In summary, the available evidence is currently insufficient to determine the role of this variant in disease. Therefore, it has been classified as a Variant of Uncertain Significance.

PreventionGenetics, part of Exact Sciences
Classification: Likely benign for MAPT-related condition. Last evaluated: 2024-10-16. Review status: criteria provided, single submitter. Criteria: ACMG Guidelines, 2015. Collection method: clinical testing. Allele origin: germline.
Comment: This variant is classified as likely benign based on ACMG/AMP sequence variant interpretation guidelines (Richards et al. 2015 PMID: 25741868, with internal and published modifications).

Illumina Laboratory Services, Illumina
Classification: Benign for MAPT-Related Spectrum Disorders. Last evaluated: 2018-01-13. Review status: criteria provided, single submitter. Criteria: ICSL Variant Classification Criteria 13 December 2019. Collection method: clinical testing. Allele origin: germline.
Comment: This variant was observed in the ICSL laboratory as part of a predisposition screen in an ostensibly healthy population. It had not been previously curated by ICSL or reported in the Human Gene Mutation Database (HGMD: prior to June 1st, 2018), and was therefore a candidate for classification through an automated scoring system. Utilizing variant allele frequency, disease prevalence and penetrance estimates, and inheritance mode, an automated score was calculated to assess if this variant is too frequent to cause the disease. Based on the score and internal cut-off values, a variant classified as benign is not then subjected to further curation. The score for this variant resulted in a classification of benign for this disease.

Medical Genetics Unit, Mauro Baschirotto Institute for Rare Disease
Classification: Likely benign for Frontotemporal dementia. Last evaluated: 2026-04-20. Review status: no assertion criteria provided. Collection method: clinical testing. Allele origin: germline. Affected: yes. Observed: 1 variant allele. Not counted in ClinVar's aggregate classification.
Comment: This variant was interpreted by the AD-FTD Italian Consortium, including the following participating institutions: Mauro Baschirotto Institute for Rare Disease, Medical Genetics Unit (Dr Paola de Gemmis, Dr Daniela Segat, Dr Chiara Stefani); Neurology Unit, Department of Biomedicine, Neurosciences and Advanced Diagnostics, University of Palermo, Italy (Dr Tommaso Piccoli); Neurology Unit, Santa Maria della Misericordia Hospital, Perugia, Italy (Dr Lorenzo Gaetani). The participating laboratories jointly contributed to patient recruitment, clinical data collection, and variant interpretation and classification.The MAPT c.1802G>A;p.Arg601His variant results in the substitution of a strongly positive charged arginine with a partially charged and less basic histidine at codon 601. This is a missense change located in exon 9 of MAPT. It has been observed in the general population with a gnomAD allele frequency of 0.0053%. Computational prediction scores include: SIFT prediction (uncertain, score 0.005), FATHMM prediction (uncertain, score 2.1) and REVEL (benign supporting, score 0.22). Taken together all of these data suggest a likely benign classification for this variant.